The following is an entry in ClinVar:

ClinVar aggregate classification (germline): Pathogenic. Review status: criteria provided, multiple submitters, no conflicts (2 of 4 stars). 5 submissions from 5 submitters: Pathogenic (3). 2 of the submissions do not count toward it. Last evaluated 2026-01-15.

Conditions:
Primary hyperoxaluria type 3. Also called: PH III. Identifiers: Orphanet 416, Orphanet 93600, MedGen C3150878, MONDO:0013327, OMIM 613616. Disease mechanism: loss of function.

Allele frequency attached by ClinVar (database versions not stated): gnomAD exomes 0.00003; TOPMed 0.00003; ESP Exome Variant Server 0.00008; ExAC 0.00002; gnomAD 0.00003.
gnomAD v4.1: 53 of 1,614,092 alleles (0.0033%); highest among the groups gnomAD compares: South Asian, 0.0077%; no homozygotes.

Submissions (5):

Natera, Inc.
Classification: Pathogenic for Primary hyperoxaluria type III. Last evaluated: 2026-01-15. Review status: criteria provided, single submitter. Criteria: Natera Variant Classification Schema (03/2026). Collection method: clinical testing. Allele origin: germline.
Comment: The c.907C>T variant in HOGA1 is a missense variant predicted to cause substitution of arginine to cysteine at amino acid 303. This variant is rare in the general population with a frequency below the threshold expected for the associated phenotype(s). This variant has been observed in one or more individuals affected with the associated recessive disease, as either homozygous or compound heterozygous with a second variant (PMID: 22391140, 21896830, 37139236, 36259736, 40814648). Computational prediction algorithms indicate this variant is likely to affect gene or protein function. Given the available evidence, this variant is classified as Pathogenic.

Labcorp Genetics (formerly Invitae), Labcorp
Classification: Pathogenic. Last evaluated: 2025-05-07. Review status: criteria provided, single submitter. Criteria: Invitae Variant Classification Sherloc (09022015). Collection method: clinical testing. Allele origin: germline.
Comment: This sequence change replaces arginine, which is basic and polar, with cysteine, which is neutral and slightly polar, at codon 303 of the HOGA1 protein (p.Arg303Cys). This variant is present in population databases (rs149150736, gnomAD 0.004%). This missense change has been observed in individual(s) with primary hyperoxaluria type 3 (PMID: 21896830, 22391140). In at least one individual the data is consistent with being in trans (on the opposite chromosome) from a pathogenic variant. ClinVar contains an entry for this variant (Variation ID: 204279). Invitae Evidence Modeling of protein sequence and biophysical properties (such as structural, functional, and spatial information, amino acid conservation, physicochemical variation, residue mobility, and thermodynamic stability) indicates that this missense variant is expected to disrupt HOGA1 protein function with a positive predictive value of 95%. Experimental studies have shown that this missense change affects HOGA1 function (PMID: 22771891). For these reasons, this variant has been classified as Pathogenic.

Fulgent Genetics
Classification: Pathogenic for Primary hyperoxaluria type 3. Last evaluated: 2024-05-11. Review status: criteria provided, single submitter. Criteria: ACMG Guidelines, 2015. Collection method: clinical testing. Allele origin: germline.

Chinese Inherited Urolithiasis Consortium, The Affiliated Yantai Yuhuangding Hospital of Qingdao University
Classification: Pathogenic for Primary hyperoxaluria type 3. Last evaluated: 2024-08-26. Review status: no assertion criteria provided. Collection method: clinical testing. Allele origin: paternal, maternal. Affected: yes. Observed: 2 variant alleles. Not counted in ClinVar's aggregate classification.

Clinical Biochemistry Laboratory, Health Services Laboratory
Classification: Pathogenic for Primary hyperoxaluria, type III. Last evaluated: 2014-11-27. Review status: no assertion criteria provided. Collection method: in vitro. Allele origin: germline. Affected: yes. Not counted in ClinVar's aggregate classification.
Comment: Prediction programme. Found in conjunction with c.700+5G>T.

Literature cited by the submitters: PubMed 22391140 (cited by 3 submitters); PubMed 21896830 (cited by Natera, Inc. and Labcorp Genetics (formerly Invitae), Labcorp); PubMed 37139236 (cited by Natera, Inc.); PubMed 36259736 (cited by Natera, Inc.); PubMed 40814648 (cited by Natera, Inc.); PubMed 22771891 (cited by Labcorp Genetics (formerly Invitae), Labcorp).

NM_138413.4(HOGA1):c.907C>T (p.Arg303Cys)

Gene: HOGA1 (4-hydroxy-2-oxoglutarate aldolase 1; plus strand). Cytogenetic location: 10q24.2.
Variant type: single nucleotide variant.
Coding change: c.907C>T on transcript NM_138413.4 (MANE Select); coding-DNA position 907, C replaced by T.
Protein change: p.Arg303Cys; replaces arginine 303 with cysteine.
Molecular consequence: missense variant.
Genome position (GRCh38, 1-based): chr10:97,611,582, C>T. VCF-style: chr10-97611582-C-T. GRCh37 (hg19) VCF-style: chr10-99371339-C-T.
Other names: c.418C>T, p.Arg140Cys (NM_001134670.2); short protein forms R303C, R140C.
Identifiers: ClinVar variation 204279 (VCV000204279.13), dbSNP rs149150736, ClinGen allele CA203968.